The following is an entry in ClinVar:

NM_015046.7(SETX):c.5820del (p.Ala1941fs)

Gene: SETX (senataxin; minus strand). Cytogenetic location: 9q34.13.
Variant type: Deletion.
Coding change: c.5820del on transcript NM_015046.7 (MANE Select); coding-DNA position 5820, one base deleted (A; older notation c.5820delA).
Protein change: p.Ala1941fs; shifts the reading frame from alanine 1941.
Molecular consequence: frameshift variant.
Genome position (GRCh38, 1-based): chr9:132,297,016, T deleted on the plus strand (A on the coding strand, the reverse complement: SETX is on the minus strand); the first of 3 consecutive T bases (chr9:132,297,016-132,297,018); deleting any one gives the same sequence. VCF-style (leftmost placement, unchanged base first): chr9-132297015-CT-C. GRCh37 (hg19) VCF-style: chr9-135172402-CT-C.
Other names: c.5820del, p.Ala1941fs (NM_001351527.2, NM_001351528.2); c.5820delA (NM_015046.5); short protein forms A1941fs.
Identifiers: ClinVar variation 1749895 (VCV001749895.2), dbSNP rs2538965374, ClinGen allele CA2580079874.

ClinVar aggregate classification (germline): Pathogenic (1 of 4 stars; one submission).

Conditions:
Inborn genetic diseases. Identifiers: MedGen C0950123, MeSH D030342.

Submission:

Ambry Genetics
Classification: Pathogenic for Inborn genetic diseases. Last evaluated: 2020-02-27. Review status: criteria provided, single submitter. Criteria: Ambry Variant Classification Scheme 2023. Collection method: clinical testing. Allele origin: germline.
Comment: The c.5820delA variant, located in coding exon 12 of the SETX gene, results from a deletion of one nucleotide at nucleotide position 5820, causing a translational frameshift with a predicted alternate stop codon (p.A1941Qfs*2). This alteration is expected to result in loss of function by premature protein truncation or nonsense-mediated mRNA decay. As such, this alteration is interpreted as a disease-causing mutation.